The following is an entry in ClinVar:

NM_001346249.2(RALGAPA1):c.7497-1G>C

Gene: RALGAPA1 (Ral GTPase activating protein catalytic subunit alpha 1; minus strand). Cytogenetic location: 14q13.2.
Variant type: single nucleotide variant.
Coding change: c.7497-1G>C on transcript NM_001346249.2 (MANE Select); the canonical splice acceptor site of the intron before coding-DNA position 7497, G replaced by C.
Molecular consequence: splice acceptor variant.
Genome position (GRCh38, 1-based): chr14:35,549,235, C>G on the plus strand (G>C on the coding strand, the complement: RALGAPA1 is on the minus strand). VCF-style: chr14-35549235-C-G. GRCh37 (hg19) VCF-style: chr14-36018441-C-G.
Other names: c.5979-1G>C (NM_194301.4, NM_001346246.2, NM_014990.3 and 1 more transcripts); c.6018-1G>C (NM_001283043.3); c.7356-1G>C (NM_001330075.3, NM_001346248.2); c.6120-1G>C (NM_001346247.2, NM_001283044.3, NM_001346245.2).
Identifiers: ClinVar variation 5009628 (VCV005009628.1).

ClinVar aggregate classification (germline): Uncertain significance (1 of 4 stars; one submission).

Submission:

GeneDx
Classification: Uncertain significance. Last evaluated: 2026-02-20. Review status: criteria provided, single submitter. Criteria: GeneDx Variant Classification Process June 2021. Collection method: clinical testing. Allele origin: germline.
Comment: Not observed at significant frequency in large population cohorts (gnomAD); Has not been previously published as pathogenic or benign to our knowledge; In silico analysis is inconclusive as to whether the variant alters gene splicing. In the absence of RNA/functional studies, the actual effect of this sequence change is unknown.